The following is an entry in ClinVar:

NM_033004.4(NLRP1):c.3302A>G (p.His1101Arg)

Gene: NLRP1 (NLR family pyrin domain containing 1; minus strand). Cytogenetic location: 17p13.2.
Variant type: single nucleotide variant.
Coding change: c.3302A>G on transcript NM_033004.4 (MANE Select); coding-DNA position 3302, A replaced by G.
Protein change: p.His1101Arg; replaces histidine 1101 with arginine.
Molecular consequence: missense variant.
Genome position (GRCh38, 1-based): chr17:5,530,699, T>C on the plus strand (A>G on the coding strand, the complement: NLRP1 is on the minus strand). VCF-style: chr17-5530699-T-C. GRCh37 (hg19) VCF-style: chr17-5434019-T-C.
Other names: c.3314A>G, p.His1105Arg (NM_001033053.3); c.3302A>G, p.His1101Arg (NM_014922.5); c.3212A>G, p.His1071Arg (NM_033006.4, NM_033007.4); short protein forms H1105R, H1071R, H1101R.
Identifiers: ClinVar variation 2120583 (VCV002120583.4), dbSNP rs2507783908, ClinGen allele CA397391041.

ClinVar aggregate classification (germline): Uncertain significance (1 of 4 stars; one submission).

Submission:

Labcorp Genetics (formerly Invitae), Labcorp
Classification: Uncertain significance. Last evaluated: 2024-08-12. Review status: criteria provided, single submitter. Criteria: Invitae Variant Classification Sherloc (09022015). Collection method: clinical testing. Allele origin: germline.
Comment: This sequence change replaces histidine, which is basic and polar, with arginine, which is basic and polar, at codon 1101 of the NLRP1 protein (p.His1101Arg). This variant is not present in population databases (gnomAD no frequency). This variant has not been reported in the literature in individuals affected with NLRP1-related conditions. ClinVar contains an entry for this variant (Variation ID: 2120583). An algorithm developed to predict the effect of missense changes on protein structure and function outputs the following: PolyPhen-2: "Benign". The arginine amino acid residue is found in multiple mammalian species, which suggests that this missense change does not adversely affect protein function. In summary, the available evidence is currently insufficient to determine the role of this variant in disease. Therefore, it has been classified as a Variant of Uncertain Significance.